The following is an entry in ClinVar:

ClinVar aggregate classification (germline): Uncertain significance. Review status: criteria provided, multiple submitters, no conflicts (2 of 4 stars). 2 submissions from 2 submitters: Uncertain significance (2). Last evaluated 2024-09-19.

Conditions:
Hereditary cancer-predisposing syndrome. Also called: Tumor predisposition; Neoplastic Syndromes, Hereditary; Hereditary Cancer Syndrome; Hereditary neoplastic syndrome. Identifiers: Orphanet 140162, MedGen C0027672, MeSH D009386, MONDO:0015356.
Fanconi anemia complementation group C (FANCC). Also called: FANCONI PANCYTOPENIA, TYPE 3; FACC; FANCC-Related Fanconi Anemia; Fanconi anemia, group C. Identifiers: Orphanet 84, MedGen C3468041, MONDO:0009213, OMIM 227645.

gnomAD v4.1: 1 of 1,614,046 alleles (0.000062%); highest among the groups gnomAD compares: Non-Finnish European, 0.000085%; no homozygotes.

Submissions (2):

Ambry Genetics
Classification: Uncertain significance for Hereditary cancer-predisposing syndrome. Last evaluated: 2024-09-19. Review status: criteria provided, single submitter. Criteria: Ambry Variant Classification Scheme 2023. Collection method: clinical testing. Allele origin: germline.
Comment: The p.D278V variant (also known as c.833A>T), located in coding exon 7 of the FANCC gene, results from an A to T substitution at nucleotide position 833. The aspartic acid at codon 278 is replaced by valine, an amino acid with highly dissimilar properties. This amino acid position is conserved. In addition, the in silico prediction for this alteration is inconclusive. Based on the available evidence, the clinical significance of this variant remains unclear.

Fulgent Genetics
Classification: Uncertain significance for Fanconi anemia complementation group C. Last evaluated: 2024-06-15. Review status: criteria provided, single submitter. Criteria: ACMG Guidelines, 2015. Collection method: clinical testing. Allele origin: germline.

NM_000136.3(FANCC):c.833A>T (p.Asp278Val)

Genes: FANCC (FA complementation group C; minus strand), AOPEP (aminopeptidase O (putative); plus strand). Cytogenetic location: 9q22.32.
Variant type: single nucleotide variant.
Coding change: c.833A>T on transcript NM_000136.3 (MANE Select); coding-DNA position 833, A replaced by T.
Protein change: p.Asp278Val; replaces aspartic acid 278 with valine.
Molecular consequence: missense variant.
Genome position (GRCh38, 1-based): chr9:95,135,356, T>A on the plus strand (A>T on the coding strand, the complement: FANCC is on the minus strand). VCF-style: chr9-95135356-T-A. GRCh37 (hg19) VCF-style: chr9-97897638-T-A.
Other names: c.833A>T, p.Asp278Val (NM_001243743.2, NM_001243744.2); short protein forms D278V.
Identifiers: ClinVar variation 3512784 (VCV003512784.2).